The following is an entry in ClinVar:

NM_000138.5(FBN1):c.4589G>C (p.Arg1530Pro)

Gene: FBN1 (fibrillin 1; minus strand). Cytogenetic location: 15q21.1.
Variant type: single nucleotide variant.
Coding change: c.4589G>C on transcript NM_000138.5 (MANE Select); coding-DNA position 4589, G replaced by C.
Protein change: p.Arg1530Pro; replaces arginine 1530 with proline.
Molecular consequence: missense variant.
Genome position (GRCh38, 1-based): chr15:48,468,096, C>G on the plus strand (G>C on the coding strand, the complement: FBN1 is on the minus strand). VCF-style: chr15-48468096-C-G. GRCh37 (hg19) VCF-style: chr15-48760293-C-G.
Other names: short protein forms R1530P.
Identifiers: ClinVar variation 519692 (VCV000519692.33), dbSNP rs778710767, ClinGen allele CA392353177.

ClinVar aggregate classification (germline): Likely pathogenic. Review status: criteria provided, multiple submitters, no conflicts (2 of 4 stars). 3 submissions from 3 submitters: Likely pathogenic (3). Last evaluated 2022-11-29.

Conditions:
Familial thoracic aortic aneurysm and aortic dissection (TAAD). Also called: Thoracic aortic aneurysms and dissections. Identifiers: Orphanet 91387, MedGen C4707243, MONDO:0019625.
Marfan syndrome (MFS). Also called: Marfan syndrome type 1; Marfan syndrome, classic; Marfan's syndrome; FBN1-Related Marfan Syndrome; MARFAN SYNDROME, TYPE I. Identifiers: Orphanet 284963, Orphanet 558, MedGen C0024796, MONDO:0007947, OMIM 154700.

Submissions (3):

Labcorp Genetics (formerly Invitae), Labcorp
Classification: Likely pathogenic for Marfan syndrome; Familial thoracic aortic aneurysm and aortic dissection. Last evaluated: 2022-11-29. Review status: criteria provided, single submitter. Criteria: Invitae Variant Classification Sherloc (09022015). Collection method: clinical testing. Allele origin: germline.
Comment: In summary, the currently available evidence indicates that the variant is pathogenic, but additional data are needed to prove that conclusively. Therefore, this variant has been classified as Likely Pathogenic. This variant disrupts the p.Arg1530 amino acid residue in FBN1. Other variant(s) that disrupt this residue have been determined to be pathogenic (PMID: 11700157, 19941982, 27906200). This suggests that this residue is clinically significant, and that variants that disrupt this residue are likely to be disease-causing. Advanced modeling of protein sequence and biophysical properties (such as structural, functional, and spatial information, amino acid conservation, physicochemical variation, residue mobility, and thermodynamic stability) performed at Invitae indicates that this missense variant is expected to disrupt FBN1 protein function. ClinVar contains an entry for this variant (Variation ID: 519692). This missense change has been observed in individual(s) with clinical features of FBN1-related conditions (Invitae). This variant is not present in population databases (gnomAD no frequency). This sequence change replaces arginine, which is basic and polar, with proline, which is neutral and non-polar, at codon 1530 of the FBN1 protein (p.Arg1530Pro).

Centre of Medical Genetics, University of Antwerp
Classification: Likely pathogenic for Marfan syndrome. Last evaluated: 2021-03-01. Review status: criteria provided, single submitter. Criteria: Submitter's publication. Collection method: research. Allele origin: unknown. Affected: yes.
Comment: PM2, PS1, PP4

Ambry Genetics
Classification: Likely pathogenic for Familial thoracic aortic aneurysm and aortic dissection. Last evaluated: 2019-12-30. Review status: criteria provided, single submitter. Criteria: Ambry Variant Classification Scheme 2023. Collection method: clinical testing. Allele origin: germline.
Comment: The p.R1530P variant (also known as c.4589G>C), located in coding exon 37 of the FBN1 gene, results from a G to C substitution at nucleotide position 4589. The arginine at codon 1530 is replaced by proline, an amino acid with dissimilar properties. This amino acid is involved in interfacial salt-bridge interactions (Lee SS et al. Structure, 2004 Apr;12:717-29), and internal structural analysis suggests that this variant will result in structural destabilization of the interface between domain cbEGF#22 and TB4. In addition, a mutation affecting the same amino acid (p.R1530C, c.4588C>T) has been reported in association with ectopia lentis and Marfan syndrome-related features (Loeys B et al. Arch Intern Med. 2001;161(20):2447-54). This amino acid position is highly conserved in available vertebrate species. In addition, this alteration is predicted to be deleterious by in silico analysis. Based on the majority of available evidence to date, this variant is likely to be pathogenic.

Literature cited by the submitters: PubMed 11700157 (cited by Labcorp Genetics (formerly Invitae), Labcorp and Ambry Genetics); PubMed 19941982 (cited by Labcorp Genetics (formerly Invitae), Labcorp); PubMed 27906200 (cited by Labcorp Genetics (formerly Invitae), Labcorp); PubMed 15062093 (cited by Ambry Genetics).